The following is an entry in ClinVar:

ClinVar aggregate classification (germline): Uncertain significance (1 of 4 stars; one submission).

Conditions:
Erythrocytosis, familial, 3 (ECYT3). Identifiers: Orphanet 247511, MedGen C1853286, MONDO:0012353, OMIM 609820.

gnomAD v4.1: 5 of 1,515,898 alleles (0.00033%); highest among the groups gnomAD compares: African/African-American, 0.0043%; no homozygotes.

Submission:

Labcorp Genetics (formerly Invitae), Labcorp
Classification: Uncertain significance for Erythrocytosis, familial, 3. Last evaluated: 2024-11-04. Review status: criteria provided, single submitter. Criteria: Invitae Variant Classification Sherloc (09022015). Collection method: clinical testing. Allele origin: germline.
Comment: This sequence change replaces glutamic acid, which is acidic and polar, with aspartic acid, which is acidic and polar, at codon 62 of the EGLN1 protein (p.Glu62Asp). This variant is not present in population databases (gnomAD no frequency). This variant has not been reported in the literature in individuals affected with EGLN1-related conditions. ClinVar contains an entry for this variant (Variation ID: 2892580). An algorithm developed to predict the effect of missense changes on protein structure and function (PolyPhen-2) suggests that this variant is likely to be tolerated. In summary, the available evidence is currently insufficient to determine the role of this variant in disease. Therefore, it has been classified as a Variant of Uncertain Significance.

NM_022051.3(EGLN1):c.186G>C (p.Glu62Asp)

Gene: EGLN1 (egl-9 family hypoxia inducible factor 1; minus strand). Cytogenetic location: 1q42.2.
Variant type: single nucleotide variant.
Coding change: c.186G>C on transcript NM_022051.3 (MANE Select); coding-DNA position 186, G replaced by C.
Protein change: p.Glu62Asp; replaces glutamic acid 62 with aspartic acid.
Molecular consequence: missense variant.
Genome position (GRCh38, 1-based): chr1:231,421,703, C>G on the plus strand (G>C on the coding strand, the complement: EGLN1 is on the minus strand). VCF-style: chr1-231421703-C-G. GRCh37 (hg19) VCF-style: chr1-231557449-C-G.
Other names: c.186G>C, p.Glu62Asp (NM_001377260.1, NM_001377261.1); short protein forms E62D.
Identifiers: ClinVar variation 2892580 (VCV002892580.3), dbSNP rs1159627786, ClinGen allele CA345238718.